The following is an entry in ClinVar:

ClinVar aggregate classification (germline): Uncertain significance (1 of 4 stars; one submission).

Conditions:
Fanconi anemia complementation group P. Also called: SLX4-Related Fanconi Anemia. Identifiers: Orphanet 84, MedGen C3469542, MONDO:0013499, OMIM 613951.

Allele frequency attached by ClinVar (database versions not stated): gnomAD exomes 0.00001.
gnomAD v4.1: 4 of 1,614,200 alleles (0.00025%); highest among the groups gnomAD compares: Middle Eastern, 0.049%; no homozygotes.

Submission:

Baylor Genetics
Classification: Uncertain significance for Fanconi anemia complementation group P. Last evaluated: 2020-01-20. Review status: criteria provided, single submitter. Criteria: ACMG Guidelines, 2015. Collection method: clinical testing. Allele origin: unknown. Affected: yes.
Comment: This variant was determined to be of uncertain significance according to ACMG Guidelines, 2015 [PMID:25741868].

NM_032444.4(SLX4):c.3209C>T (p.Ser1070Phe)

Gene: SLX4 (SLX4 structure-specific endonuclease subunit; minus strand). Cytogenetic location: 16p13.3.
Variant type: single nucleotide variant.
Coding change: c.3209C>T on transcript NM_032444.4 (MANE Select); coding-DNA position 3209, C replaced by T.
Protein change: p.Ser1070Phe; replaces serine 1070 with phenylalanine.
Molecular consequence: missense variant.
Genome position (GRCh38, 1-based): chr16:3,590,429, G>A on the plus strand (C>T on the coding strand, the complement: SLX4 is on the minus strand). VCF-style: chr16-3590429-G-A. GRCh37 (hg19) VCF-style: chr16-3640430-G-A.
Other names: short protein forms S1070F.
Identifiers: ClinVar variation 1030973 (VCV001030973.1), dbSNP rs2040570774, ClinGen allele CA394521460.